The following is an entry in ClinVar:

NM_012281.3(KCND2):c.914G>A (p.Arg305His)

Gene: KCND2 (potassium voltage-gated channel subfamily D member 2; plus strand). Cytogenetic location: 7q31.31.
Variant type: single nucleotide variant.
Coding change: c.914G>A on transcript NM_012281.3 (MANE Select); coding-DNA position 914, G replaced by A.
Protein change: p.Arg305His; replaces arginine 305 with histidine.
Molecular consequence: missense variant.
Genome position (GRCh38, 1-based): chr7:120,275,546, G>A. VCF-style: chr7-120275546-G-A. GRCh37 (hg19) VCF-style: chr7-119915600-G-A.
Other names: short protein forms R305H.
Identifiers: ClinVar variation 4075652 (VCV004075652.1).

ClinVar aggregate classification (germline): Uncertain significance (1 of 4 stars; one submission).

Submission:

GeneDx
Classification: Uncertain significance. Last evaluated: 2025-02-14. Review status: criteria provided, single submitter. Criteria: GeneDx Variant Classification Process June 2021. Collection method: clinical testing. Allele origin: germline. Affected: yes.
Comment: Not observed at significant frequency in large population cohorts (gnomAD); In silico analysis supports that this missense variant has a deleterious effect on protein structure/function; Has not been previously published as pathogenic or benign to our knowledge